The following is an entry in ClinVar:

ClinVar aggregate classification (germline): Uncertain significance (1 of 4 stars; one submission).

Conditions:
Hereditary diffuse gastric adenocarcinoma (HDGC). Also called: DIFFUSE GASTRIC AND LOBULAR BREAST CANCER SYNDROME. Identifiers: Orphanet 26106, MedGen C1708349, MONDO:0007648, OMIM 137215.

Submission:

Labcorp Genetics (formerly Invitae), Labcorp
Classification: Uncertain significance for Hereditary diffuse gastric adenocarcinoma. Last evaluated: 2021-01-31. Review status: criteria provided, single submitter. Criteria: Invitae Variant Classification Sherloc (09022015). Collection method: clinical testing. Allele origin: germline.
Comment: Algorithms developed to predict the effect of missense changes on protein structure and function (SIFT, PolyPhen-2, Align-GVGD) all suggest that this variant is likely to be tolerated, but these predictions have not been confirmed by published functional studies and their clinical significance is uncertain. In summary, the available evidence is currently insufficient to determine the role of this variant in disease. Therefore, it has been classified as a Variant of Uncertain Significance. This variant has not been reported in the literature in individuals with CDH1-related conditions. This variant is not present in population databases (ExAC no frequency). This sequence change replaces glutamine with glutamic acid at codon 610 of the CDH1 protein (p.Gln610Glu). The glutamine residue is weakly conserved and there is a small physicochemical difference between glutamine and glutamic acid.

NM_004360.5(CDH1):c.1828C>G (p.Gln610Glu)

Gene: CDH1 (cadherin 1; plus strand). Cytogenetic location: 16q22.1.
Variant type: single nucleotide variant.
Coding change: c.1828C>G on transcript NM_004360.5 (MANE Select); coding-DNA position 1828, C replaced by G.
Protein change: p.Gln610Glu; replaces glutamine 610 with glutamic acid.
Molecular consequence: missense variant. On other transcripts: 5 prime UTR variant (1).
Genome position (GRCh38, 1-based): chr16:68,822,117, C>G. VCF-style: chr16-68822117-C-G. GRCh37 (hg19) VCF-style: chr16-68856020-C-G.
Other names: c.1645C>G, p.Gln549Glu (NM_001317184.2); c.280C>G, p.Gln94Glu (NM_001317185.2); c.-138C>G (NM_001317186.2); short protein forms Q94E, Q549E, Q610E.
Identifiers: ClinVar variation 1368243 (VCV001368243.8), dbSNP rs2152138392, ClinGen allele CA396466887.
Genomic context (GRCh38, chr16:68,822,117, plus strand): 5'-GACAACGCCCCCATACCAGAACCTCGAACTATATTCTTCTGTGAGAGGAATCCAAAGCCT[C>G]AGGTCATAAACATCATTGATGCAGACCTTCCTCCCAATACATCTCCCTTCACAGCAGAAC-3'
Protein context (NP_004351.1, residues 600-620): IFFCERNPKP[Gln610Glu]VINIIDADLP